The following is an entry in ClinVar:

NM_001103.4(ACTN2):c.572A>G (p.His191Arg)

Gene: ACTN2 (actinin alpha 2; plus strand). Cytogenetic location: 1q43.
Variant type: single nucleotide variant.
Coding change: c.572A>G on transcript NM_001103.4 (MANE Select); coding-DNA position 572, A replaced by G.
Protein change: p.His191Arg; replaces histidine 191 with arginine.
Molecular consequence: missense variant. On other transcripts: non-coding transcript variant (1).
Genome position (GRCh38, 1-based): chr1:236,727,713, A>G. VCF-style: chr1-236727713-A-G. GRCh37 (hg19) VCF-style: chr1-236891013-A-G.
Other names: c.572A>G, p.His191Arg (NM_001278343.2); c.-250A>G (NM_001278344.2); c.-375A>G (NM_001412150.1); short protein forms H191R.
Identifiers: ClinVar variation 2931421 (VCV002931421.3), dbSNP rs2527565040, ClinGen allele CA345375465.
Genomic context (GRCh38, chr1:236,727,713, plus strand): 5'-CCTGTTCTTCTCGACGGCTGTGAAGCTGGAAAGATGGCCTTGGACTCTGTGCCCTCATCC[A>G]CCGACACCGGCCTGACCTCATTGACTACTCAAAGCTTAACAAGGTTATTCTGGGTGGCCT-3'
Protein context (NP_001094.1, residues 181-201): KDGLGLCALI[His191Arg]RHRPDLIDYS

ClinVar aggregate classification (germline): Uncertain significance (1 of 4 stars; one submission).

Conditions:
Primary familial hypertrophic cardiomyopathy (HCM). Identifiers: Orphanet 99739, MedGen C0949658, MeSH D024741, MONDO:0024573. Inheritance: Various modes of inheritance.
Dilated cardiomyopathy 1AA (CMD1AA). Also called: CARDIOMYOPATHY, DILATED, 1AA, WITH OR WITHOUT LEFT VENTRICULAR NONCOMPACTION; CARDIOMYOPATHY, FAMILIAL HYPERTROPHIC, 23, WITH OR WITHOUT LEFT VENTRICULAR NONCOMPACTION; Cardiomyopathy, dilated, 1AA, with or without LVNC. Identifiers: Orphanet 154, MedGen C2677338, MONDO:0012808, OMIM 612158.

Submission:

Labcorp Genetics (formerly Invitae), Labcorp
Classification: Uncertain significance for Primary familial hypertrophic cardiomyopathy; Dilated cardiomyopathy 1AA. Last evaluated: 2023-05-05. Review status: criteria provided, single submitter. Criteria: Invitae Variant Classification Sherloc (09022015). Collection method: clinical testing. Allele origin: germline.
Comment: In summary, the available evidence is currently insufficient to determine the role of this variant in disease. Therefore, it has been classified as a Variant of Uncertain Significance. Advanced modeling of protein sequence and biophysical properties (such as structural, functional, and spatial information, amino acid conservation, physicochemical variation, residue mobility, and thermodynamic stability) performed at Invitae indicates that this missense variant is expected to disrupt ACTN2 protein function. This variant has not been reported in the literature in individuals affected with ACTN2-related conditions. This variant is not present in population databases (gnomAD no frequency). This sequence change replaces histidine, which is basic and polar, with arginine, which is basic and polar, at codon 191 of the ACTN2 protein (p.His191Arg).